The following is an entry in ClinVar:

ClinVar aggregate classification (germline): Uncertain significance. Review status: criteria provided, multiple submitters, no conflicts (2 of 4 stars). 4 submissions from 4 submitters: Uncertain significance (4). Last evaluated 2025-11-05.

Conditions:
Cardiac arrhythmia, ankyrin-B-related. Also called: ANKYRIN-B SYNDROME. Identifiers: Orphanet 101016, Orphanet 768, MedGen C1970119, MONDO:0010958, OMIM 600919.
Cardiovascular phenotype. Identifiers: MedGen CN230736.
Long QT syndrome (LQTS). Identifiers: MedGen C0023976, MeSH D008133, MONDO:0002442. Disease mechanism: loss of function. Inheritance: Various modes of inheritance.

Allele frequency attached by ClinVar (database versions not stated): ExAC 0.00001; gnomAD exomes 0.00001 and 0.00002; gnomAD 0.00003; TOPMed 0.00003.
gnomAD v4.1: 26 of 1,614,058 alleles (0.0016%); highest among the groups gnomAD compares: African/African-American, 0.004%; no homozygotes.

Submissions (4):

Labcorp Genetics (formerly Invitae), Labcorp
Classification: Uncertain significance for Long QT syndrome. Last evaluated: 2025-11-05. Review status: criteria provided, single submitter. Criteria: Invitae Variant Classification Sherloc (09022015). Collection method: clinical testing. Allele origin: germline.
Comment: This sequence change replaces valine, which is neutral and non-polar, with isoleucine, which is neutral and non-polar, at codon 371 of the ANK2 protein (p.Val371Ile). This variant is present in population databases (rs759437203, gnomAD 0.007%). This variant has not been reported in the literature in individuals affected with ANK2-related conditions. ClinVar contains an entry for this variant (Variation ID: 519400). Invitae Evidence Modeling of protein sequence and biophysical properties (such as structural, functional, and spatial information, amino acid conservation, physicochemical variation, residue mobility, and thermodynamic stability) indicates that this missense variant is not expected to disrupt ANK2 protein function with a negative predictive value of 80%. In summary, the available evidence is currently insufficient to determine the role of this variant in disease. Therefore, it has been classified as a Variant of Uncertain Significance.

Ambry Genetics
Classification: Uncertain significance for Cardiovascular phenotype. Last evaluated: 2024-10-08. Review status: criteria provided, single submitter. Criteria: Ambry Variant Classification Scheme 2023. Collection method: clinical testing. Allele origin: germline.
Comment: The p.V371I variant (also known as c.1111G>A), located in coding exon 11 of the ANK2 gene, results from a G to A substitution at nucleotide position 1111. The valine at codon 371 is replaced by isoleucine, an amino acid with highly similar properties. This alteration has been identified in a cohort of patients undergoing genetic testing for long QT syndrome; however, limited clinical details are available (Lieve KV et al. Genet Test Mol Biomarkers, 2013 Jul;17:553-61). This amino acid position is highly conserved in available vertebrate species. In addition, this alteration is predicted to be tolerated by in silico analysis. Since supporting evidence is limited at this time, the clinical significance of this alteration remains unclear.

Fulgent Genetics
Classification: Uncertain significance for Cardiac arrhythmia, ankyrin-B-related. Last evaluated: 2021-08-26. Review status: criteria provided, single submitter. Criteria: ACMG Guidelines, 2015. Collection method: clinical testing. Allele origin: unknown.

GeneDx
Classification: Uncertain significance. Last evaluated: 2019-10-10. Review status: criteria provided, single submitter. Criteria: GeneDx Variant Classification Process June 2021. Collection method: clinical testing. Allele origin: germline. Affected: yes.
Comment: Not observed at a significant frequency in large population cohorts (Lek et al., 2016); In silico analysis, which includes protein predictors and evolutionary conservation, supports that this variant does not alter protein structure/function; This variant is associated with the following publications: (PMID: 23631430)

Literature cited by the submitters: PubMed 23631430 (cited by Ambry Genetics).

NM_001148.6(ANK2):c.1111G>A (p.Val371Ile)

Gene: ANK2 (ankyrin 2; plus strand). Cytogenetic location: 4q26.
Variant type: single nucleotide variant.
Coding change: c.1111G>A on transcript NM_001148.6 (MANE Select); coding-DNA position 1111, G replaced by A.
Protein change: p.Val371Ile; replaces valine 371 with isoleucine.
Molecular consequence: missense variant.
Genome position (GRCh38, 1-based): chr4:113,255,855, G>A. VCF-style: chr4-113255855-G-A. GRCh37 (hg19) VCF-style: chr4-114177011-G-A.
Other names: c.1048G>A, p.Val350Ile (NM_001127493.3, NM_001354239.2, NM_001354243.2 and 14 more transcripts); c.1111G>A, p.Val371Ile (NM_001354225.2, NM_001354228.2, NM_001354232.2 and 9 more transcripts); c.1156G>A, p.Val386Ile (NM_001354230.2, NM_001354231.2, NM_001354237.2 and 5 more transcripts); c.1024G>A, p.Val342Ile (NM_001354249.2, NM_001354260.2, NM_001354264.2 and 16 more transcripts); c.1069G>A, p.Val357Ile (NM_001354261.2, NM_001386147.1, NM_001386160.1); c.1099G>A, p.Val367Ile (NM_001354269.3, NM_001386148.2, NM_001386186.2); c.1162G>A, p.Val388Ile (NM_001386174.1); c.1138G>A, p.Val380Ile (NM_001386175.1); and 1 more; short protein forms V350I, V371I, V342I, V367I, V357I, V386I, V359I, V380I.
Identifiers: ClinVar variation 519400 (VCV000519400.13), dbSNP rs759437203, ClinGen allele CA3050187.